The following is an entry in ClinVar:

NM_033641.4(COL4A6):c.1721C>G (p.Pro574Arg)

Gene: COL4A6 (collagen type IV alpha 6 chain; minus strand). Cytogenetic location: Xq22.3.
Variant type: single nucleotide variant.
Coding change: c.1721C>G on transcript NM_033641.4 (MANE Select); coding-DNA position 1721, C replaced by G.
Protein change: p.Pro574Arg; replaces proline 574 with arginine.
Molecular consequence: missense variant.
Genome position (GRCh38, 1-based): chrX:108,187,894, G>C on the plus strand (C>G on the coding strand, the complement: COL4A6 is on the minus strand). VCF-style: chrX-108187894-G-C. GRCh37 (hg19) VCF-style: chrX-107431124-G-C.
Other names: c.1721C>G, p.Pro574Arg (NM_001287758.2, NM_001287759.2, NM_001287760.2); c.1724C>G, p.Pro575Arg (NM_001847.4); c.1724C>G (NM_001847.2); short protein forms P574R, P575R.
Identifiers: ClinVar variation 3048986 (VCV003048986.3), dbSNP rs920172390, ClinGen allele CA334052111.

ClinVar aggregate classification (germline): Uncertain significance. Review status: criteria provided, single submitter (1 of 4 stars). 2 submissions from 2 submitters: Uncertain significance (1). 1 of the submissions does not count toward it. Last evaluated 2025-05-26.

Conditions:
COL4A6-related disorder. Also called: COL4A6-related condition.

gnomAD v4.1: 9 of 1,209,528 alleles (0.00074%); highest among the groups gnomAD compares: Admixed American, 0.0022%; no homozygotes.

Submissions (2):

Ambry Genetics
Classification: Uncertain significance. Last evaluated: 2025-05-26. Review status: criteria provided, single submitter. Criteria: Ambry Variant Classification Scheme 2023. Collection method: clinical testing. Allele origin: germline.

PreventionGenetics, part of Exact Sciences
Classification: Uncertain significance for COL4A6-related condition. Last evaluated: 2023-10-20. Review status: no assertion criteria provided. Collection method: clinical testing. Allele origin: germline. Not counted in ClinVar's aggregate classification.
Comment: The COL4A6 c.1724C>G variant is predicted to result in the amino acid substitution p.Pro575Arg. To our knowledge, this variant has not been reported in the literature. This variant is reported in 0.0053% of alleles in individuals of South Asian descent in gnomAD, including one hemizygote. While we suspect this variant may be benign, at this time, the clinical significance of this variant is uncertain due to the absence of conclusive functional and genetic evidence.